The following is an entry in ClinVar:

NM_005141.5(FGB):c.935G>A (p.Gly312Glu)

Gene: FGB (fibrinogen beta chain; plus strand). Cytogenetic location: 4q31.3.
Variant type: single nucleotide variant.
Coding change: c.935G>A on transcript NM_005141.5 (MANE Select); coding-DNA position 935, G replaced by A.
Protein change: p.Gly312Glu; replaces glycine 312 with glutamic acid.
Molecular consequence: missense variant. On other transcripts: intron variant (1).
Genome position (GRCh38, 1-based): chr4:154,569,284, G>A. VCF-style: chr4-154569284-G-A. GRCh37 (hg19) VCF-style: chr4-155490436-G-A.
Other names: c.758G>A, p.Gly253Glu (NM_001184741.1); c.803G>A, p.Gly268Glu (NM_001382759.1); c.935G>A, p.Gly312Glu (NM_001382760.1, NM_001382761.1, NM_001382764.1 and 1 more transcripts); c.926G>A, p.Gly309Glu (NM_001382763.1); c.746-317G>A (NM_001382762.1); short protein forms G253E, G268E, G309E, G312E.
Identifiers: ClinVar variation 3351355 (VCV003351355.1).

ClinVar aggregate classification (germline): Uncertain significance (0 of 4 stars; one submission).

Conditions:
FGB-related disorder. Also called: FGB-related condition.

gnomAD v4.1: 27 of 1,613,938 alleles (0.0017%); highest among the groups gnomAD compares: Admixed American, 0.028%; no homozygotes.

Submission:

PreventionGenetics, part of Exact Sciences
Classification: Uncertain significance for FGB-related condition. Last evaluated: 2024-04-09. Review status: no assertion criteria provided. Collection method: clinical testing. Allele origin: germline.
Comment: The FGB c.935G>A variant is predicted to result in the amino acid substitution p.Gly312Glu. To our knowledge, this variant has not been reported in the literature. This variant is reported in 0.043% of alleles in individuals of Latino descent in gnomAD. At this time, the clinical significance of this variant is uncertain due to the absence of conclusive functional and genetic evidence.